The following is an entry in ClinVar:

ClinVar aggregate classification (germline): Uncertain significance (1 of 4 stars; one submission).

Conditions:
Hypertrophic cardiomyopathy 1 (CMH1). Also called: Familial hypertrophic cardiomyopathy 1; MYH7-Related Familial Hypertrophic Cardiomyopathy. Identifiers: MedGen C3495498, MONDO:0008647, OMIM 192600.

gnomAD v4.1: 2 of 1,603,500 alleles (0.00012%); highest among the groups gnomAD compares: African/African-American, 0.0027%; no homozygotes.

Submission:

Labcorp Genetics (formerly Invitae), Labcorp
Classification: Uncertain significance for Hypertrophic cardiomyopathy 1. Last evaluated: 2025-06-29. Review status: criteria provided, single submitter. Criteria: Invitae Variant Classification Sherloc (09022015). Collection method: clinical testing. Allele origin: germline.
Comment: This sequence change replaces histidine, which is basic and polar, with aspartic acid, which is acidic and polar, at codon 148 of the MYLK2 protein (p.His148Asp). This variant is present in population databases (rs770490246, gnomAD 0.007%). This variant has not been reported in the literature in individuals affected with MYLK2-related conditions. Invitae Evidence Modeling of protein sequence and biophysical properties (such as structural, functional, and spatial information, amino acid conservation, physicochemical variation, residue mobility, and thermodynamic stability) indicates that this missense variant is not expected to disrupt MYLK2 protein function with a negative predictive value of 80%. In summary, the available evidence is currently insufficient to determine the role of this variant in disease. Therefore, it has been classified as a Variant of Uncertain Significance.

NM_033118.4(MYLK2):c.442C>G (p.His148Asp)

Gene: MYLK2 (myosin light chain kinase 2; plus strand). Cytogenetic location: 20q11.21.
Variant type: single nucleotide variant.
Coding change: c.442C>G on transcript NM_033118.4 (MANE Select); coding-DNA position 442, C replaced by G.
Protein change: p.His148Asp; replaces histidine 148 with aspartic acid.
Molecular consequence: missense variant.
Genome position (GRCh38, 1-based): chr20:31,820,515, C>G. VCF-style: chr20-31820515-C-G. GRCh37 (hg19) VCF-style: chr20-30408318-C-G.
Other names: short protein forms H148D.
Identifiers: ClinVar variation 4740101 (VCV004740101.1).